The following is an entry in ClinVar:

ClinVar aggregate classification (germline): Uncertain significance. Review status: criteria provided, multiple submitters, no conflicts (2 of 4 stars). 3 submissions from 3 submitters: Uncertain significance (3). Last evaluated 2018-10-31.

Allele frequency attached by ClinVar (database versions not stated): ESP Exome Variant Server 0.00023; gnomAD 0.00032 and 0.00036; gnomAD exomes 0.00039 and 0.00070; TOPMed 0.00051; ExAC 0.00064.
gnomAD v4.1: 674 of 1,613,394 alleles (0.042%); highest among the groups gnomAD compares: Middle Eastern, 0.79%; 5 homozygotes.

Submissions (3):

Fulgent Genetics
Classification: Uncertain significance. Last evaluated: 2018-10-31. Review status: criteria provided, single submitter. Criteria: ACMG Guidelines, 2015. Collection method: clinical testing. Allele origin: unknown.

GeneDx
Classification: Uncertain significance. Last evaluated: 2017-03-17. Review status: criteria provided, single submitter. Criteria: GeneDx Variant Classification (06012015). Collection method: clinical testing. Allele origin: germline. Affected: yes.
Comment: The V166M variant in the PON3 gene has not been reported previously as a pathogenic variant, nor as a benign variant, to our knowledge. The V166M variant is observed in 26/11478 (0.2%) alleles from individuals of Latino background, and in 41/66332 (0.06%) alleles from individuals of European background, in the ExAC dataset (Lek et al., 2016). The V166M variant is a conservative amino acid substitution, which is not likely to impact secondary protein structure as these residues share similar properties. This substitution occurs at a position where amino acids with similar properties to Valine are tolerated across species. In silico analysis is inconsistent in its predictions as to whether or not the variant is damaging to the protein structure/function. We interpret V166M as a variant of uncertain significance.

Breakthrough Genomics
Classification: Uncertain significance. Review status: criteria provided, single submitter. Criteria: ACMG Guidelines, 2015. Collection method: not provided. Allele origin: germline. Inheritance: Autosomal recessive inheritance. Affected: yes.

NM_000940.3(PON3):c.496G>A (p.Val166Met)

Gene: PON3 (paraoxonase 3; minus strand). Cytogenetic location: 7q21.3.
Variant type: single nucleotide variant.
Coding change: c.496G>A on transcript NM_000940.3 (MANE Select); coding-DNA position 496, G replaced by A.
Protein change: p.Val166Met; replaces valine 166 with methionine.
Molecular consequence: missense variant.
Genome position (GRCh38, 1-based): chr7:95,364,062, C>T on the plus strand (G>A on the coding strand, the complement: PON3 is on the minus strand). VCF-style: chr7-95364062-C-T. GRCh37 (hg19) VCF-style: chr7-94993374-C-T.
Other names: short protein forms V166M.
Identifiers: ClinVar variation 418423 (VCV000418423.4), dbSNP rs201544566, ClinGen allele CA4350639.